The following is an entry in ClinVar:

ClinVar aggregate classification (germline): Conflicting classifications of pathogenicity. Review status: criteria provided, conflicting classifications (1 of 4 stars). 2 submissions from 2 submitters: Likely pathogenic (1); Uncertain significance (1). Last evaluated 2024-10-18.

Conditions:
Dilated cardiomyopathy 1G (CMD1G). Identifiers: Orphanet 154, MedGen C1858763, MONDO:0011400, OMIM 604145.
Autosomal recessive limb-girdle muscular dystrophy type 2J (LGMDR10). Also called: Limb-girdle muscular dystrophy, type 2J; MUSCULAR DYSTROPHY, LIMB-GIRDLE, AUTOSOMAL RECESSIVE 10. Identifiers: Orphanet 140922, MedGen C1837342, MONDO:0012127, OMIM 608807.

Submissions (2):

Labcorp Genetics (formerly Invitae), Labcorp
Classification: Likely pathogenic for Dilated cardiomyopathy 1G; Autosomal recessive limb-girdle muscular dystrophy type 2J. Last evaluated: 2024-10-18. Review status: criteria provided, single submitter. Criteria: Invitae Variant Classification Sherloc (09022015). Collection method: clinical testing. Allele origin: germline.
Comment: This sequence change creates a premature translational stop signal (p.Ser9675*) in the TTN gene. While this is not anticipated to result in nonsense mediated decay, it is expected to create a truncated TTN protein. This variant is not present in population databases (gnomAD no frequency). This premature translational stop signal has been observed in individual(s) with limb-girdle muscular dystrophy (PMID: 32815318). ClinVar contains an entry for this variant (Variation ID: 281227). Algorithms developed to predict the effect of sequence changes on RNA splicing suggest that this variant may disrupt the consensus splice site. This variant is located in the I band of TTN (PMID: 25589632). Truncating variants in this region have been reported in individuals affected with autosomal recessive centronuclear myopathy (PMID: 23975875, internal data). Truncating variants in this region have also been identified in individuals affected with autosomal dominant dilated cardiomyopathy and/or cardio-related conditions (PMID: 27869827, 32964742, internal data). In summary, the currently available evidence indicates that the variant is pathogenic, but additional data are needed to prove that conclusively. Therefore, this variant has been classified as Likely Pathogenic.

Eurofins Ntd Llc (ga)
Classification: Uncertain significance. Last evaluated: 2015-09-08. Review status: criteria provided, single submitter. Criteria: EGL Classification Definitions 2015. Collection method: clinical testing. Allele origin: germline. Observed: 1 variant allele, 1 heterozygote.

Literature cited by the submitters: PubMed 32815318 (cited by Labcorp Genetics (formerly Invitae), Labcorp); PubMed 25589632 (cited by Labcorp Genetics (formerly Invitae), Labcorp); PubMed 23975875 (cited by Labcorp Genetics (formerly Invitae), Labcorp); PubMed 27869827 (cited by Labcorp Genetics (formerly Invitae), Labcorp); PubMed 32964742 (cited by Labcorp Genetics (formerly Invitae), Labcorp).

NM_001267550.2(TTN):c.29024C>A (p.Ser9675Ter)

Gene: TTN (titin; minus strand). Cytogenetic location: 2q31.2.
Variant type: single nucleotide variant.
Coding change: c.29024C>A on transcript NM_001267550.2 (MANE Select); coding-DNA position 29024, C replaced by A.
Protein change: p.Ser9675Ter; replaces serine 9675 with a stop codon.
Molecular consequence: nonsense. On other transcripts: intron variant (3).
Genome position (GRCh38, 1-based): chr2:178,707,543, G>T on the plus strand (C>A on the coding strand, the complement: TTN is on the minus strand). VCF-style: chr2-178707543-G-T. GRCh37 (hg19) VCF-style: chr2-179572270-G-T.
Other names: c.28073C>A, p.Ser9358Ter (NM_001256850.1); c.25292C>A, p.Ser8431Ter (NM_133378.4); c.13282+30539C>A (NM_003319.4); c.13858+30539C>A (NM_133437.4); c.13657+30539C>A (NM_133432.3); short protein forms S9675*, S8431*, S9358*.
Identifiers: ClinVar variation 281227 (VCV000281227.12), dbSNP rs886042115, ClinGen allele CA10603825.